The following is an entry in ClinVar:

ClinVar aggregate classification (germline): Uncertain significance. Review status: criteria provided, multiple submitters, no conflicts (2 of 4 stars). 2 submissions from 2 submitters: Uncertain significance (2). Last evaluated 2024-11-05.

Allele frequency attached by ClinVar (database versions not stated): TOPMed below 0.00001; gnomAD 0.00001; gnomAD exomes 0.00001; ExAC 0.00002.
gnomAD v4.1: 14 of 1,613,924 alleles (0.00087%); highest among the groups gnomAD compares: Admixed American, 0.0083%; no homozygotes.

Submissions (2):

Labcorp Genetics (formerly Invitae), Labcorp
Classification: Uncertain significance. Last evaluated: 2024-11-05. Review status: criteria provided, single submitter. Criteria: Invitae Variant Classification Sherloc (09022015). Collection method: clinical testing. Allele origin: germline.
Comment: This sequence change replaces glycine, which is neutral and non-polar, with arginine, which is basic and polar, at codon 634 of the ATP2B4 protein (p.Gly634Arg). This variant is present in population databases (rs770893263, gnomAD 0.01%). This variant has not been reported in the literature in individuals affected with ATP2B4-related conditions. ClinVar contains an entry for this variant (Variation ID: 2889882). Invitae Evidence Modeling of protein sequence and biophysical properties (such as structural, functional, and spatial information, amino acid conservation, physicochemical variation, residue mobility, and thermodynamic stability) indicates that this missense variant is expected to disrupt ATP2B4 protein function with a positive predictive value of 80%. In summary, the available evidence is currently insufficient to determine the role of this variant in disease. Therefore, it has been classified as a Variant of Uncertain Significance.

Ambry Genetics
Classification: Uncertain significance. Last evaluated: 2024-03-21. Review status: criteria provided, single submitter. Criteria: Ambry Variant Classification Scheme 2023. Collection method: clinical testing. Allele origin: germline.

NM_001684.5(ATP2B4):c.1900G>A (p.Gly634Arg)

Gene: ATP2B4 (ATPase plasma membrane Ca2+ transporting 4; plus strand). Cytogenetic location: 1q32.1.
Variant type: single nucleotide variant.
Coding change: c.1900G>A on transcript NM_001684.5 (MANE Select); coding-DNA position 1900, G replaced by A.
Protein change: p.Gly634Arg; replaces glycine 634 with arginine.
Molecular consequence: missense variant.
Genome position (GRCh38, 1-based): chr1:203,710,977, G>A. VCF-style: chr1-203710977-G-A. GRCh37 (hg19) VCF-style: chr1-203680105-G-A.
Other names: c.1900G>A, p.Gly634Arg (NM_001001396.3, NM_001365783.2, NM_001365784.2); c.1900G>A (NM_001684.4); short protein forms G634R.
Identifiers: ClinVar variation 2889882 (VCV002889882.4), dbSNP rs770893263, ClinGen allele CA1341732.